The following is an entry in ClinVar:

NM_000195.5(HPS1):c.*736C>T

Gene: HPS1 (HPS1 biogenesis of lysosomal organelles complex 3 subunit 1; minus strand). Cytogenetic location: 10q24.2.
Variant type: single nucleotide variant.
Coding change: c.*736C>T on transcript NM_000195.5 (MANE Select); 736 bases downstream of the stop codon, C replaced by T.
Molecular consequence: 3 prime UTR variant.
Genome position (GRCh38, 1-based): chr10:98,416,828, G>A on the plus strand (C>T on the coding strand, the complement: HPS1 is on the minus strand). VCF-style: chr10-98416828-G-A. GRCh37 (hg19) VCF-style: chr10-100176585-G-A.
Other names: c.*736C>T (NM_001311345.2, NM_001322476.2, NM_001322477.2 and 10 more transcripts).
Identifiers: ClinVar variation 298321 (VCV000298321.5), dbSNP rs149708847, ClinGen allele CA10637114.
Genomic context (GRCh38, chr10:98,416,828, plus strand): 5'-GAACTTCTCGGTTGGAAGAGAGGGGCTGTACCCCTCGGGTGGTGGTTCTCAATCCAGGGC[G>A]CACCACAGAAGCTTTGAAAGACATCAAAGGCTGGGCTCCACGGCCGCCAAGGGAATCCAA-3'

ClinVar aggregate classification (germline): Likely benign (1 of 4 stars; one submission).

Conditions:
Hermansky-Pudlak syndrome 1 (HPS1). Also called: DELTA STORAGE POOL DISEASE. Identifiers: Orphanet 231500, Orphanet 79430, MedGen C2931875, MONDO:0008748, OMIM 203300.

Allele frequency attached by ClinVar (database versions not stated): 1000 Genomes Project 0.00240; 1000 Genomes Project 30x 0.00297; gnomAD 0.00306; TOPMed 0.00386.

Submission:

Illumina Laboratory Services, Illumina
Classification: Likely benign for Hermansky-Pudlak syndrome 1. Last evaluated: 2018-01-13. Review status: criteria provided, single submitter. Criteria: ICSL Variant Classification Criteria 13 December 2019. Collection method: clinical testing. Allele origin: germline.
Comment: This variant was observed in the ICSL laboratory as part of a predisposition screen in an ostensibly healthy population. It had not been previously curated by ICSL or reported in the Human Gene Mutation Database (HGMD: prior to June 1st, 2018), and was therefore a candidate for classification through an automated scoring system. Utilizing variant allele frequency, disease prevalence and penetrance estimates, and inheritance mode, an automated score was calculated to assess if this variant is too frequent to cause the disease. Based on the score and internal cut-off values, a variant classified as likely benign is not then subjected to further curation. The score for this variant resulted in a classification of likely benign for this disease.